The following is an entry in ClinVar:

NM_000548.5(TSC2):c.1866G>A (p.Arg622=)

Gene: TSC2 (TSC complex subunit 2; plus strand). Cytogenetic location: 16p13.3.
Variant type: single nucleotide variant.
Coding change: c.1866G>A on transcript NM_000548.5 (MANE Select); coding-DNA position 1866, G replaced by A.
Protein change: p.Arg622=; no amino-acid change (arginine 622 retained).
Molecular consequence: synonymous variant.
Genome position (GRCh38, 1-based): chr16:2,071,536, G>A. VCF-style: chr16-2071536-G-A. GRCh37 (hg19) VCF-style: chr16-2121537-G-A.
Other names: c.1866G>A, p.Arg622= (NM_001077183.3, NM_001114382.3, NM_001363528.2 and 3 more transcripts); c.1755G>A, p.Arg585= (NM_001318827.2); c.1719G>A, p.Arg573= (NM_001318829.2); c.1266G>A, p.Arg422= (NM_001318831.2); c.1899G>A, p.Arg633= (NM_001318832.2); c.1866G>A (NM_000548.3).
Identifiers: ClinVar variation 1366900 (VCV001366900.30), dbSNP rs1397060903, ClinGen allele CA492950291.

ClinVar aggregate classification (germline): Benign/Likely benign. Review status: criteria provided, multiple submitters, no conflicts (2 of 4 stars). 4 submissions from 4 submitters: Benign (1); Likely benign (3). Last evaluated 2025-10-02.

Conditions:
Hereditary cancer-predisposing syndrome. Also called: Hereditary Cancer Syndrome; Tumor predisposition; Neoplastic Syndromes, Hereditary; Hereditary neoplastic syndrome. Identifiers: Orphanet 140162, MedGen C0027672, MeSH D009386, MONDO:0015356.
Tuberous sclerosis 2 (TSC2). Identifiers: Orphanet 805, MedGen C1860707, MONDO:0013199, OMIM 613254.

gnomAD v4.1: 1 of 1,613,634 alleles (0.000062%); highest among the groups gnomAD compares: Admixed American, 0.0017%; no homozygotes.

Submissions (4):

Ambry Genetics
Classification: Likely benign for Hereditary cancer-predisposing syndrome. Last evaluated: 2025-10-02. Review status: criteria provided, single submitter. Criteria: Ambry Variant Classification Scheme 2023. Collection method: clinical testing. Allele origin: germline.

Myriad Genetics, Inc.
Classification: Benign for Tuberous sclerosis 2. Last evaluated: 2025-05-16. Review status: criteria provided, single submitter. Criteria: Myriad Autosomal Dominant, Autosomal Recessive and X-Linked Classification Criteria (2023). Collection method: clinical testing. Allele origin: unknown.
Comment: This variant is considered benign. This variant is a silent/synonymous amino acid change and it is not expected to impact splicing.

Labcorp Genetics (formerly Invitae), Labcorp
Classification: Likely benign for Tuberous sclerosis 2. Last evaluated: 2024-11-16. Review status: criteria provided, single submitter. Criteria: Invitae Variant Classification Sherloc (09022015). Collection method: clinical testing. Allele origin: germline.

CeGaT Center for Human Genetics Tuebingen
Classification: Likely benign. Last evaluated: 2023-02-01. Review status: criteria provided, single submitter. Criteria: CeGaT Center For Human Genetics Tuebingen Variant Classification Criteria Version 2. Collection method: clinical testing. Allele origin: germline. Affected: yes. Observed: 1 variant allele.
Comment: TSC2: PM2:Supporting, BP4, BP7